The following is an entry in ClinVar:

NM_001289808.2(CRYAB):c.485C>T (p.Thr162Ile)

Gene: CRYAB (crystallin alpha B; minus strand). Cytogenetic location: 11q23.1.
Variant type: single nucleotide variant.
Coding change: c.485C>T on transcript NM_001289808.2 (MANE Select); coding-DNA position 485, C replaced by T.
Protein change: p.Thr162Ile; replaces threonine 162 with isoleucine.
Molecular consequence: missense variant.
Genome position (GRCh38, 1-based): chr11:111,908,807, G>A on the plus strand (C>T on the coding strand, the complement: CRYAB is on the minus strand). VCF-style: chr11-111908807-G-A. GRCh37 (hg19) VCF-style: chr11-111779531-G-A.
Other names: c.485C>T, p.Thr162Ile (NM_001289807.1, NM_001368245.1, NM_001885.3); c.284C>T, p.Thr95Ile (NM_001330379.1, NM_001368246.1); short protein forms T162I, T95I.
Identifiers: ClinVar variation 1399760 (VCV001399760.10), dbSNP rs199861008, ClinGen allele CA6275454.

ClinVar aggregate classification (germline): Uncertain significance. Review status: criteria provided, multiple submitters, no conflicts (2 of 4 stars). 2 submissions from 2 submitters: Uncertain significance (2). Last evaluated 2024-08-08.

Conditions:
Cardiovascular phenotype. Identifiers: MedGen CN230736.
Dilated cardiomyopathy 1II (CMD1II). Identifiers: Orphanet 154, MedGen C3554649, MONDO:0014073, OMIM 615184.

Allele frequency attached by ClinVar (database versions not stated): gnomAD exomes below 0.00001 and 0.00001; TOPMed below 0.00001; gnomAD 0.00001; ExAC 0.00002.
gnomAD v4.1: 14 of 1,613,372 alleles (0.00087%); highest among the groups gnomAD compares: East Asian, 0.013%; no homozygotes.

Submissions (2):

Labcorp Genetics (formerly Invitae), Labcorp
Classification: Uncertain significance for Dilated cardiomyopathy 1II. Last evaluated: 2024-08-08. Review status: criteria provided, single submitter. Criteria: Invitae Variant Classification Sherloc (09022015). Collection method: clinical testing. Allele origin: germline.
Comment: This sequence change replaces threonine, which is neutral and polar, with isoleucine, which is neutral and non-polar, at codon 162 of the CRYAB protein (p.Thr162Ile). This variant is present in population databases (rs199861008, gnomAD 0.006%). This variant has not been reported in the literature in individuals affected with CRYAB-related conditions. ClinVar contains an entry for this variant (Variation ID: 1399760). An algorithm developed to predict the effect of missense changes on protein structure and function (PolyPhen-2) suggests that this variant is likely to be disruptive. In summary, the available evidence is currently insufficient to determine the role of this variant in disease. Therefore, it has been classified as a Variant of Uncertain Significance.

Ambry Genetics
Classification: Uncertain significance for Cardiovascular phenotype. Last evaluated: 2022-10-11. Review status: criteria provided, single submitter. Criteria: Ambry Variant Classification Scheme 2023. Collection method: clinical testing. Allele origin: germline.
Comment: The p.T162I variant (also known as c.485C>T), located in coding exon 3 of the CRYAB gene, results from a C to T substitution at nucleotide position 485. The threonine at codon 162 is replaced by isoleucine, an amino acid with similar properties. This amino acid position is conserved. In addition, the in silico prediction for this alteration is inconclusive. Since supporting evidence is limited at this time, the clinical significance of this alteration remains unclear.